The following is an entry in ClinVar:

NM_001113378.2(FANCI):c.442A>G (p.Lys148Glu)

Gene: FANCI (FA complementation group I; plus strand). Cytogenetic location: 15q26.1.
Variant type: single nucleotide variant.
Coding change: c.442A>G on transcript NM_001113378.2 (MANE Select); coding-DNA position 442, A replaced by G.
Protein change: p.Lys148Glu; replaces lysine 148 with glutamic acid.
Molecular consequence: missense variant.
Genome position (GRCh38, 1-based): chr15:89,261,738, A>G. VCF-style: chr15-89261738-A-G. GRCh37 (hg19) VCF-style: chr15-89804969-A-G.
Other names: c.163A>G, p.Lys55Glu (NM_001376910.1); c.442A>G, p.Lys148Glu (NM_001376911.1, NM_018193.3); short protein forms K55E, K148E.
Identifiers: ClinVar variation 4690342 (VCV004690342.1).

ClinVar aggregate classification (germline): Uncertain significance (1 of 4 stars; one submission).

Conditions:
Fanconi anemia (FA). Also called: Fanconi's anemia. Identifiers: Orphanet 84, MedGen C0015625, MeSH D005199, MONDO:0019391.

gnomAD v4.1: 1 of 1,614,022 alleles (0.000062%); highest among the groups gnomAD compares: East Asian, 0.0022%; no homozygotes.

Submission:

Labcorp Genetics (formerly Invitae), Labcorp
Classification: Uncertain significance for Fanconi anemia. Last evaluated: 2025-03-26. Review status: criteria provided, single submitter. Criteria: Invitae Variant Classification Sherloc (09022015). Collection method: clinical testing. Allele origin: germline.
Comment: This sequence change replaces lysine, which is basic and polar, with glutamic acid, which is acidic and polar, at codon 148 of the FANCI protein (p.Lys148Glu). This variant is present in population databases (rs762730472, gnomAD 0.02%). This variant has not been reported in the literature in individuals affected with FANCI-related conditions. Invitae Evidence Modeling of protein sequence and biophysical properties (such as structural, functional, and spatial information, amino acid conservation, physicochemical variation, residue mobility, and thermodynamic stability) indicates that this missense variant is not expected to disrupt FANCI protein function with a negative predictive value of 80%. In summary, the available evidence is currently insufficient to determine the role of this variant in disease. Therefore, it has been classified as a Variant of Uncertain Significance.